The following is an entry in ClinVar:

NM_032737.4(LMNB2):c.1743G>A (p.Ser581=)

Gene: LMNB2 (lamin B2; minus strand). Cytogenetic location: 19p13.3.
Variant type: single nucleotide variant.
Coding change: c.1743G>A on transcript NM_032737.4 (MANE Select); coding-DNA position 1743, G replaced by A.
Protein change: p.Ser581=; no amino-acid change (serine 581 retained).
Molecular consequence: synonymous variant.
Genome position (GRCh38, 1-based): chr19:2,431,626, C>T on the plus strand (G>A on the coding strand, the complement: LMNB2 is on the minus strand). VCF-style: chr19-2431626-C-T. GRCh37 (hg19) VCF-style: chr19-2431624-C-T.
Identifiers: ClinVar variation 2921614 (VCV002921614.26), dbSNP rs142082911, ClinGen allele CA9067321.

ClinVar aggregate classification (germline): Likely benign. Review status: criteria provided, multiple submitters, no conflicts (2 of 4 stars). 3 submissions from 3 submitters: Likely benign (3). Last evaluated 2023-12-01.

Conditions:
Progressive myoclonic epilepsy type 9. Identifiers: Orphanet 457265, MedGen C4225289, MONDO:0014685, OMIM 616540.
Lipodystrophy, partial, acquired, susceptibility to (APLD). Also called: APLD, SUSCEPTIBILITY TO. Identifiers: MedGen C3887501, MONDO:0100476, OMIM 608709.

gnomAD v4.1: 31 of 1,614,004 alleles (0.0019%); highest among the groups gnomAD compares: East Asian, 0.0022%; no homozygotes.

Submissions (3):

CeGaT Center for Human Genetics Tuebingen
Classification: Likely benign. Last evaluated: 2023-12-01. Review status: criteria provided, single submitter. Criteria: CeGaT Center For Human Genetics Tuebingen Variant Classification Criteria Version 2. Collection method: clinical testing. Allele origin: germline. Affected: yes. Observed: 1 variant allele.
Comment: LMNB2: BP4, BP7

Labcorp Genetics (formerly Invitae), Labcorp
Classification: Likely benign for Progressive myoclonic epilepsy type 9; Lipodystrophy, partial, acquired, susceptibility to. Last evaluated: 2023-03-16. Review status: criteria provided, single submitter. Criteria: Invitae Variant Classification Sherloc (09022015). Collection method: clinical testing. Allele origin: germline.

Blueprint Genetics
Classification: Likely benign. Last evaluated: 2022-11-17. Review status: criteria provided, single submitter. Criteria: ACMG Guidelines, 2015. Collection method: clinical testing. Allele origin: germline.